The following is an entry in ClinVar:

ClinVar aggregate classification (germline): Uncertain significance (1 of 4 stars; one submission).

gnomAD v4.1: 1 of 1,613,920 alleles (0.000062%); highest among the groups gnomAD compares: African/African-American, 0.0013%; no homozygotes.

Submission:

Labcorp Genetics (formerly Invitae), Labcorp
Classification: Uncertain significance. Last evaluated: 2025-04-21. Review status: criteria provided, single submitter. Criteria: Invitae Variant Classification Sherloc (09022015). Collection method: clinical testing. Allele origin: germline.
Comment: This sequence change replaces leucine, which is neutral and non-polar, with glutamine, which is neutral and polar, at codon 599 of the PRPF3 protein (p.Leu599Gln). This variant is present in population databases (no rsID available, gnomAD 0.01%). This variant has not been reported in the literature in individuals affected with PRPF3-related conditions. Invitae Evidence Modeling of protein sequence and biophysical properties (such as structural, functional, and spatial information, amino acid conservation, physicochemical variation, residue mobility, and thermodynamic stability) has been performed for this missense variant. However, the output from this modeling did not meet the statistical confidence thresholds required to predict the impact of this variant on PRPF3 protein function. In summary, the available evidence is currently insufficient to determine the role of this variant in disease. Therefore, it has been classified as a Variant of Uncertain Significance.

NM_004698.4(PRPF3):c.1796T>A (p.Leu599Gln)

Gene: PRPF3 (pre-mRNA processing factor 3; plus strand). Cytogenetic location: 1q21.2.
Variant type: single nucleotide variant.
Coding change: c.1796T>A on transcript NM_004698.4 (MANE Select); coding-DNA position 1796, T replaced by A.
Protein change: p.Leu599Gln; replaces leucine 599 with glutamine.
Molecular consequence: missense variant. On other transcripts: non-coding transcript variant (4).
Genome position (GRCh38, 1-based): chr1:150,346,444, T>A. VCF-style: chr1-150346444-T-A. GRCh37 (hg19) VCF-style: chr1-150318920-T-A.
Other names: c.1391T>A, p.Leu464Gln (NM_001350529.1); short protein forms L464Q, L599Q.
Identifiers: ClinVar variation 4809633 (VCV004809633.1).